The following is an entry in ClinVar:

NM_198253.3(TERT):c.859G>A (p.Gly287Ser)

Gene: TERT (telomerase reverse transcriptase; minus strand). Cytogenetic location: 5p15.33.
Variant type: single nucleotide variant.
Coding change: c.859G>A on transcript NM_198253.3 (MANE Select); coding-DNA position 859, G replaced by A.
Protein change: p.Gly287Ser; replaces glycine 287 with serine.
Molecular consequence: missense variant. On other transcripts: non-coding transcript variant (2).
Genome position (GRCh38, 1-based): chr5:1,294,027, C>T on the plus strand (G>A on the coding strand, the complement: TERT is on the minus strand). VCF-style: chr5-1294027-C-T. GRCh37 (hg19) VCF-style: chr5-1294142-C-T.
Other names: c.859G>A, p.Gly287Ser (NM_001193376.3); short protein forms G287S.
Identifiers: ClinVar variation 579760 (VCV000579760.52), dbSNP rs746095609, ClinGen allele CA3184899.

ClinVar aggregate classification (germline): Uncertain significance. Review status: criteria provided, multiple submitters, no conflicts (2 of 4 stars). 4 submissions from 4 submitters: Uncertain significance (4). Last evaluated 2025-02-14.

Conditions:
Dyskeratosis congenita. Identifiers: Orphanet 1775, MedGen C0265965, MONDO:0015780.
Dyskeratosis congenita, autosomal dominant 2. Identifiers: MedGen C3151443, MONDO:0013521, OMIM 613989.
Idiopathic Pulmonary Fibrosis. Also called: Idiopathic fibrosing alveolitis, chronic form; idiopathic fibrosing alveolitis. Identifiers: Orphanet 2032, MedGen C1800706, MeSH D054990, MONDO:0800504.
Acute myeloid leukemia (AML). Also called: Leukemia, acute myeloid, somatic; Leukemia, acute myelogenous, somatic; Acute myeloid leukemia, adult; AML adult; Acute non-lymphocytic leukemia; Acute granulocytic leukemia. Identifiers: Orphanet 519, MedGen C0023467, MeSH D015470, MONDO:0018874, OMIM 601626, HP:0004808. Disease mechanism: Constitutively activated FLT3.
Pulmonary fibrosis and/or bone marrow failure, Telomere-related, 1. Also called: PULMONARY FIBROSIS AND/OR BONE MARROW FAILURE SYNDROME, TELOMERE-RELATED, 1. Identifiers: Orphanet 88, MedGen C3553617, MONDO:0013878, OMIM 614742.
Melanoma, cutaneous malignant, susceptibility to, 9. Also called: Cutaneous malignant melanoma 9. Identifiers: Orphanet 618, MedGen C3554574, MONDO:0014056, OMIM 615134.

Allele frequency attached by ClinVar (database versions not stated): gnomAD exomes 0.00001; gnomAD 0.00002 and 0.00003; TOPMed 0.00004.
gnomAD v4.1: 12 of 1,597,452 alleles (0.00075%); highest among the groups gnomAD compares: African/African-American, 0.012%; no homozygotes.

Submissions (4):

Ambry Genetics
Classification: Uncertain significance for Dyskeratosis congenita. Last evaluated: 2025-02-14. Review status: criteria provided, single submitter. Criteria: Ambry Variant Classification Scheme 2023. Collection method: clinical testing. Allele origin: germline.
Comment: The p.G287S variant (also known as c.859G>A), located in coding exon 2 of the TERT gene, results from a G to A substitution at nucleotide position 859. The glycine at codon 287 is replaced by serine, an amino acid with similar properties. This amino acid position is not well conserved in available vertebrate species. In addition, the in silico prediction for this alteration is inconclusive. Based on the available evidence, the clinical significance of this variant remains unclear.

Fulgent Genetics
Classification: Uncertain significance for Acute myeloid leukemia; Dyskeratosis congenita, autosomal dominant 2; Pulmonary fibrosis and/or bone marrow failure, Telomere-related, 1; Melanoma, cutaneous malignant, susceptibility to, 9. Last evaluated: 2024-03-07. Review status: criteria provided, single submitter. Criteria: ACMG Guidelines, 2015. Collection method: clinical testing. Allele origin: germline.

GeneDx
Classification: Uncertain significance. Last evaluated: 2023-11-21. Review status: criteria provided, single submitter. Criteria: GeneDx Variant Classification Process June 2021. Collection method: clinical testing. Allele origin: germline. Affected: yes.
Comment: In silico analysis supports that this missense variant does not alter protein structure/function; Has not been previously published as pathogenic or benign to our knowledge

Labcorp Genetics (formerly Invitae), Labcorp
Classification: Uncertain significance for Dyskeratosis congenita, autosomal dominant 2; Idiopathic Pulmonary Fibrosis. Last evaluated: 2023-11-02. Review status: criteria provided, single submitter. Criteria: Invitae Variant Classification Sherloc (09022015). Collection method: clinical testing. Allele origin: germline.
Comment: This sequence change replaces glycine, which is neutral and non-polar, with serine, which is neutral and polar, at codon 287 of the TERT protein (p.Gly287Ser). This variant is present in population databases (rs746095609, gnomAD 0.005%). This variant has not been reported in the literature in individuals affected with TERT-related conditions. ClinVar contains an entry for this variant (Variation ID: 579760). Advanced modeling of protein sequence and biophysical properties (such as structural, functional, and spatial information, amino acid conservation, physicochemical variation, residue mobility, and thermodynamic stability) performed at Invitae indicates that this missense variant is not expected to disrupt TERT protein function with a negative predictive value of 80%. In summary, the available evidence is currently insufficient to determine the role of this variant in disease. Therefore, it has been classified as a Variant of Uncertain Significance.